The following is an entry in ClinVar:

ClinVar aggregate classification (germline): Uncertain significance (1 of 4 stars; one submission).

Conditions:
Congenital disorder of glycosylation, type Iaa. Also called: Congenital disorder of glycosylation, type 1aa. Identifiers: MedGen C4310727, MONDO:0014904, OMIM 617082.

gnomAD v4.1: 3 of 1,502,934 alleles (0.0002%); highest among the groups gnomAD compares: Admixed American, 0.0055%; no homozygotes.

Submission:

Labcorp Genetics (formerly Invitae), Labcorp
Classification: Uncertain significance for Congenital disorder of glycosylation, type Iaa. Last evaluated: 2024-08-14. Review status: criteria provided, single submitter. Criteria: Invitae Variant Classification Sherloc (09022015). Collection method: clinical testing. Allele origin: germline.
Comment: This sequence change replaces tyrosine, which is neutral and polar, with phenylalanine, which is neutral and non-polar, at codon 5 of the NUS1 protein (p.Tyr5Phe). This variant is present in population databases (no rsID available, gnomAD 0.008%). This variant has not been reported in the literature in individuals affected with NUS1-related conditions. An algorithm developed to predict the effect of missense changes on protein structure and function (PolyPhen-2) suggests that this variant is likely to be tolerated. In summary, the available evidence is currently insufficient to determine the role of this variant in disease. Therefore, it has been classified as a Variant of Uncertain Significance.

NM_138459.5(NUS1):c.14A>T (p.Tyr5Phe)

Gene: NUS1 (NUS1 dehydrodolichyl diphosphate synthase subunit; plus strand). Cytogenetic location: 6q22.1.
Variant type: single nucleotide variant.
Coding change: c.14A>T on transcript NM_138459.5 (MANE Select); coding-DNA position 14, A replaced by T.
Protein change: p.Tyr5Phe; replaces tyrosine 5 with phenylalanine.
Molecular consequence: missense variant.
Genome position (GRCh38, 1-based): chr6:117,675,684, A>T. VCF-style: chr6-117675684-A-T. GRCh37 (hg19) VCF-style: chr6-117996847-A-T.
Other names: short protein forms Y5F.
Identifiers: ClinVar variation 3669831 (VCV003669831.2).
Genomic context (GRCh38, chr6:117,675,684, plus strand): 5'-GCGGGAGTGGGCGGGAGGGAGAGGGGGTGTCTGAGGGCCACAAGAGTATGACGGGGCTGT[A>T]CGAGCTGGTGTGGCGGGTGCTGCACGCGCTGCTCTGTCTGCACCGCACGCTCACCTCCTG-3'
Protein context (NP_612468.1, residues 1-15): MTGL[Tyr5Phe]ELVWRVLHAL